The following is an entry in ClinVar:

NM_002519.3(NPAT):c.1117G>C (p.Glu373Gln)

Gene: NPAT (nuclear protein, coactivator of histone transcription; minus strand). Cytogenetic location: 11q22.3.
Variant type: single nucleotide variant.
Coding change: c.1117G>C on transcript NM_002519.3 (MANE Select); coding-DNA position 1117, G replaced by C.
Protein change: p.Glu373Gln; replaces glutamic acid 373 with glutamine.
Molecular consequence: missense variant.
Genome position (GRCh38, 1-based): chr11:108,176,261, C>G on the plus strand (G>C on the coding strand, the complement: NPAT is on the minus strand). VCF-style: chr11-108176261-C-G. GRCh37 (hg19) VCF-style: chr11-108046988-C-G.
Other names: c.1117G>C, p.Glu373Gln (NM_001321307.1); short protein forms E373Q.
Identifiers: ClinVar variation 2567973 (VCV002567973.2), dbSNP rs2496725629, ClinGen allele CA382516642.

ClinVar aggregate classification (germline): Uncertain significance (1 of 4 stars; one submission).

Submission:

Ambry Genetics
Classification: Uncertain significance. Last evaluated: 2023-04-13. Review status: criteria provided, single submitter. Criteria: Ambry Variant Classification Scheme 2023. Collection method: clinical testing. Allele origin: germline.
Comment: The p.E373Q variant (also known as c.1117G>C), located in coding exon 12 of the NPAT gene, results from a G to C substitution at nucleotide position 1117. The glutamic acid at codon 373 is replaced by glutamine, an amino acid with highly similar properties. This amino acid position is conserved. In addition, this alteration is predicted to be tolerated by in silico analysis. Since supporting evidence is limited at this time, the clinical significance of this alteration remains unclear.